The following is an entry in ClinVar:

NM_001943.5(DSG2):c.2471G>T (p.Arg824Leu)

Genes: DSG2 (desmoglein 2; plus strand), DSG2-AS1 (DSG2 antisense RNA 1; minus strand). Cytogenetic location: 18q12.1.
Variant type: single nucleotide variant.
Coding change: c.2471G>T on transcript NM_001943.5 (MANE Select); coding-DNA position 2471, G replaced by T.
Protein change: p.Arg824Leu; replaces arginine 824 with leucine.
Molecular consequence: missense variant. On other transcripts: non-coding transcript variant (1).
Genome position (GRCh38, 1-based): chr18:31,545,857, G>T. VCF-style: chr18-31545857-G-T. GRCh37 (hg19) VCF-style: chr18-29125820-G-T.
Other names: short protein forms R824L.
Identifiers: ClinVar variation 3072029 (VCV003072029.1), dbSNP rs376858770, ClinGen allele CA402144665.

ClinVar aggregate classification (germline): Uncertain significance (1 of 4 stars; one submission).

Conditions:
Arrhythmogenic right ventricular cardiomyopathy (ARVD). Also called: Arrhythmogenic right ventricular dysplasia; Cardiomyopathy, ARVC; Arrhythmogenic cardiomyopathy; Arrhythmogenic Right Ventricular Cardiomyopathy (ARVC). Identifiers: Orphanet 247, MedGen C0349788, MeSH D019571, MONDO:0016587. Disease mechanism: loss of function. Inheritance: Various modes of inheritance.

gnomAD v4.1: 3 of 1,613,980 alleles (0.00019%); highest among the groups gnomAD compares: East Asian, 0.0022%; no homozygotes.

Submission:

All of Us Research Program, National Institutes of Health
Classification: Uncertain significance for Arrhythmogenic right ventricular cardiomyopathy. Last evaluated: 2023-06-26. Review status: criteria provided, single submitter. Criteria: ACMG Guidelines, 2015. Collection method: clinical testing. Allele origin: germline. Inheritance: Autosomal dominant inheritance. Observed: 1 variant allele, 1 heterozygote.
Comment: This missense variant replaces arginine with leucine at codon 824 of the DSG2 protein. Computational prediction suggests that this variant may not impact protein structure and function (internally defined REVEL score threshold <= 0.5, PMID: 27666373). To our knowledge, functional studies have not been reported for this variant. This variant has not been reported in individuals affected with DSG2-related disorders in the literature. This variant has been identified in 1/31396 chromosomes in the general population by the Genome Aggregation Database (gnomAD). The available evidence is insufficient to determine the role of this variant in disease conclusively. Therefore, this variant is classified as a Variant of Uncertain Significance.

This study involves interpretation of variants in research participants for the purpose of population health screening. Participant phenotype was not available at the time of variant classification. Additional details can be found in publication PMID: 35346344, PMCID: PMC8962531